The following is an entry in ClinVar:

NM_001113490.2(AMOT):c.2683G>A (p.Ala895Thr)

Gene: AMOT (angiomotin; minus strand). Cytogenetic location: Xq23.
Variant type: single nucleotide variant.
Coding change: c.2683G>A on transcript NM_001113490.2 (MANE Select); coding-DNA position 2683, G replaced by A.
Protein change: p.Ala895Thr; replaces alanine 895 with threonine.
Molecular consequence: missense variant.
Genome position (GRCh38, 1-based): chrX:112,779,471, C>T on the plus strand (G>A on the coding strand, the complement: AMOT is on the minus strand). VCF-style: chrX-112779471-C-T. GRCh37 (hg19) VCF-style: chrX-112022699-C-T.
Other names: c.2683G>A, p.Ala895Thr (NM_001386998.1, NM_001386999.1); c.1456G>A, p.Ala486Thr (NM_133265.5); short protein forms A486T, A895T.
Identifiers: ClinVar variation 2661225 (VCV002661225.24), dbSNP rs139684218, ClinGen allele CA10494876.
Genomic context (GRCh38, chrX:112,779,471, plus strand): 5'-CAGCAACTGGAGCAGCAGCTACCATGGTGGTGGTGATGGTGGCAGCAGTGGCAGTGATGG[C>T]GGCAGCAGTGGCGGCAGCAGCAACTGGAGCAGGAACAGAGATGGGAGCAACAGCTGCAGT-3'
Protein context (NP_001106962.1, residues 885-905): APVAAAATAA[Ala895Thr]ITATAATITT

ClinVar aggregate classification (germline): Likely benign (1 of 4 stars; one submission).

Allele frequency attached by ClinVar (database versions not stated): gnomAD 0.00036; gnomAD exomes 0.00054; ExAC 0.00064; ESP Exome Variant Server 0.00068.
gnomAD v4.1: 617 of 1,202,297 alleles (0.051%); highest among the groups gnomAD compares: Non-Finnish European, 0.066%; no homozygotes.

Submission:

CeGaT Center for Human Genetics Tuebingen
Classification: Likely benign. Last evaluated: 2022-07-01. Review status: criteria provided, single submitter. Criteria: CeGaT Center For Human Genetics Tuebingen Variant Classification Criteria Version 2. Collection method: clinical testing. Allele origin: germline. Affected: yes. Observed: 1 variant allele.
Comment: AMOT: BP4